The following is an entry in ClinVar:

NM_014946.4(SPAST):c.1117G>C (p.Ala373Pro)

Gene: SPAST (spastin; plus strand). Cytogenetic location: 2p22.3.
Variant type: single nucleotide variant.
Coding change: c.1117G>C on transcript NM_014946.4 (MANE Select); coding-DNA position 1117, G replaced by C.
Protein change: p.Ala373Pro; replaces alanine 373 with proline.
Molecular consequence: missense variant.
Genome position (GRCh38, 1-based): chr2:32,126,966, G>C. VCF-style: chr2-32126966-G-C. GRCh37 (hg19) VCF-style: chr2-32352035-G-C.
Other names: c.1114G>C, p.Ala372Pro (NM_001363823.2); c.1018G>C, p.Ala340Pro (NM_001363875.2); c.1021G>C, p.Ala341Pro (NM_001377959.1, NM_199436.2); short protein forms A373P, A341P, A372P, A340P.
Identifiers: ClinVar variation 1502317 (VCV001502317.8), dbSNP rs1679214464, ClinGen allele CA346501229.

ClinVar aggregate classification (germline): Uncertain significance (1 of 4 stars; one submission).

Conditions:
Hereditary spastic paraplegia 4. Also called: Spastic Paraplegia 4; Spastic paraplegia 4, autosomal dominant; Familial spastic paraplegia autosomal dominant 2. Identifiers: Orphanet 100985, MedGen C1866855, MONDO:0008438, OMIM 182601.

Submission:

Labcorp Genetics (formerly Invitae), Labcorp
Classification: Uncertain significance for Hereditary spastic paraplegia 4. Last evaluated: 2020-12-09. Review status: criteria provided, single submitter. Criteria: Invitae Variant Classification Sherloc (09022015). Collection method: clinical testing. Allele origin: germline.
Comment: In summary, the available evidence is currently insufficient to determine the role of this variant in disease. Therefore, it has been classified as a Variant of Uncertain Significance. Advanced modeling of protein sequence and biophysical properties (such as structural, functional, and spatial information, amino acid conservation, physicochemical variation, residue mobility, and thermodynamic stability) performed at Invitae indicates that this missense variant is expected to disrupt SPAST protein function. This variant has not been reported in the literature in individuals with SPAST-related conditions. This variant is not present in population databases (ExAC no frequency). This sequence change replaces alanine with proline at codon 373 of the SPAST protein (p.Ala373Pro). The alanine residue is highly conserved and there is a small physicochemical difference between alanine and proline.